The following is an entry in ClinVar:

NM_001376.5(DYNC1H1):c.3218G>A (p.Gly1073Glu)

Gene: DYNC1H1 (dynein cytoplasmic 1 heavy chain 1; plus strand). Cytogenetic location: 14q32.31.
Variant type: single nucleotide variant.
Coding change: c.3218G>A on transcript NM_001376.5 (MANE Select); coding-DNA position 3218, G replaced by A.
Protein change: p.Gly1073Glu; replaces glycine 1073 with glutamic acid.
Molecular consequence: missense variant.
Genome position (GRCh38, 1-based): chr14:101,994,734, G>A. VCF-style: chr14-101994734-G-A. GRCh37 (hg19) VCF-style: chr14-102461071-G-A.
Other names: short protein forms G1073E.
Identifiers: ClinVar variation 572203 (VCV000572203.8), dbSNP rs775900761, ClinGen allele CA7351969.

ClinVar aggregate classification (germline): Uncertain significance (1 of 4 stars; one submission).

Conditions:
Charcot-Marie-Tooth disease axonal type 2O. Also called: CHARCOT-MARIE-TOOTH NEUROPATHY, AXONAL, TYPE 2O; CHARCOT-MARIE-TOOTH DISEASE, AXONAL, AUTOSOMAL DOMINANT, TYPE 2O; Charcot-Marie-Tooth disease, axonal, type 20; Charcot-Marie-Tooth Neuropathy Type 2O. Identifiers: Orphanet 284232, MedGen C3280220, MONDO:0013644, OMIM 614228.

Allele frequency attached by ClinVar (database versions not stated): TOPMed below 0.00001; ExAC 0.00001; gnomAD 0.00001; gnomAD exomes 0.00002 and 0.00004.
gnomAD v4.1: 56 of 1,614,124 alleles (0.0035%); highest among the groups gnomAD compares: Non-Finnish European, 0.0043%; no homozygotes.

Submission:

Labcorp Genetics (formerly Invitae), Labcorp
Classification: Uncertain significance for Charcot-Marie-Tooth disease axonal type 2O. Last evaluated: 2025-12-01. Review status: criteria provided, single submitter. Criteria: Invitae Variant Classification Sherloc (09022015). Collection method: clinical testing. Allele origin: germline.
Comment: This sequence change replaces glycine, which is neutral and non-polar, with glutamic acid, which is acidic and polar, at codon 1073 of the DYNC1H1 protein (p.Gly1073Glu). This variant is present in population databases (rs775900761, gnomAD 0.004%). This variant has not been reported in the literature in individuals affected with DYNC1H1-related conditions. ClinVar contains an entry for this variant (Variation ID: 572203). Invitae Evidence Modeling of protein sequence and biophysical properties (such as structural, functional, and spatial information, amino acid conservation, physicochemical variation, residue mobility, and thermodynamic stability) indicates that this missense variant is expected to disrupt DYNC1H1 protein function with a positive predictive value of 95%. In summary, the available evidence is currently insufficient to determine the role of this variant in disease. Therefore, it has been classified as a Variant of Uncertain Significance.